The following is an entry in ClinVar:

ClinVar aggregate classification (germline): Pathogenic (1 of 4 stars; one submission).

Submission:

Labcorp Genetics (formerly Invitae), Labcorp
Classification: Pathogenic. Last evaluated: 2022-11-30. Review status: criteria provided, single submitter. Criteria: Invitae Variant Classification Sherloc (09022015). Collection method: clinical testing. Allele origin: germline.
Comment: This variant is not present in population databases (gnomAD no frequency). For these reasons, this variant has been classified as Pathogenic. This variant has not been reported in the literature in individuals affected with COL2A1-related conditions. This sequence change creates a premature translational stop signal (p.Glu1003Aspfs*25) in the COL2A1 gene. It is expected to result in an absent or disrupted protein product. Loss-of-function variants in COL2A1 are known to be pathogenic (PMID: 20179744).

Literature cited by the submitters: PubMed 20179744.

NM_001844.5(COL2A1):c.3009del (p.Glu1003fs)

Gene: COL2A1 (collagen type II alpha 1 chain; minus strand). Cytogenetic location: 12q13.11.
Variant type: Deletion.
Coding change: c.3009del on transcript NM_001844.5 (MANE Select); coding-DNA position 3009, one base deleted (G; older notation c.3009delG).
Protein change: p.Glu1003fs; shifts the reading frame from glutamic acid 1003.
Molecular consequence: frameshift variant.
Genome position (GRCh38, 1-based): chr12:47,978,112, C deleted on the plus strand (G on the coding strand, the reverse complement: COL2A1 is on the minus strand). VCF-style (leftmost placement, unchanged base first): chr12-47978111-GC-G. GRCh37 (hg19) VCF-style: chr12-48371894-GC-G.
Other names: c.2802del, p.Glu934fs (NM_033150.3); short protein forms E1003fs, E934fs.
Identifiers: ClinVar variation 2813941 (VCV002813941.3), dbSNP rs2540110816, ClinGen allele CA2739271945.
Genomic context (GRCh38, chr12:47,978,111, plus strand): 5'-GACCCACGGGGCCAGGAGGACCTCTGTCTCCAGATGCTCCAGGAGCACCCTGCTTGCCGG[GC>G]TCACCCTGGAGGGACAGAGACAAGGATGATGAGTGCAAGTGGTAAGCACCCCTGCCCAGG-3'